The following is an entry in ClinVar:

ClinVar aggregate classification (germline): Uncertain significance. Review status: criteria provided, multiple submitters, no conflicts (2 of 4 stars). 3 submissions from 3 submitters: Uncertain significance (3). Last evaluated 2025-03-08.

Conditions:
Colorectal cancer, susceptibility to, 1. Also called: COLORECTAL ADENOMA AND CANCER, SUSCEPTIBILITY TO; COLORECTAL CANCER, SUSCEPTIBILITY TO, ON CHROMOSOME 9. Identifiers: MedGen C1837315, MONDO:0012132, OMIM 608812.

Allele frequency attached by ClinVar (database versions not stated): gnomAD exomes below 0.00001 and 0.00001; gnomAD 0.00001; TOPMed 0.00003.
gnomAD v4.1: 15 of 1,614,046 alleles (0.00093%); highest among the groups gnomAD compares: Admixed American, 0.0033%; no homozygotes.

Submissions (3):

Ambry Genetics
Classification: Uncertain significance. Last evaluated: 2025-03-08. Review status: criteria provided, single submitter. Criteria: Ambry Variant Classification Scheme 2023. Collection method: clinical testing. Allele origin: germline.
Comment: The p.R382C variant (also known as c.1144C>T), located in coding exon 6 of the GALNT12 gene, results from a C to T substitution at nucleotide position 1144. The arginine at codon 382 is replaced by cysteine, an amino acid with highly dissimilar properties. A different alteration at this position, p.R382H, was reported in the germline and tumor DNA of one individual with colorectal cancer. The tumor demonstrated LOH and functional studies demonstrated 1% GALNT12 activity (Guda K et al. Proc. Natl. Acad. Sci. U.S.A., 2009 Aug;106:12921-5). This amino acid position is highly conserved in available vertebrate species. In addition, this alteration is predicted to be deleterious by in silico analysis. Since supporting evidence is limited at this time, the clinical significance of this alteration remains unclear.

Baylor Genetics
Classification: Uncertain significance for Colorectal cancer, susceptibility to, 1. Last evaluated: 2024-03-25. Review status: criteria provided, single submitter. Criteria: ACMG Guidelines, 2015. Collection method: clinical testing. Allele origin: unknown.

Labcorp Genetics (formerly Invitae), Labcorp
Classification: Uncertain significance. Last evaluated: 2021-10-15. Review status: criteria provided, single submitter. Criteria: Invitae Variant Classification Sherloc (09022015). Collection method: clinical testing. Allele origin: germline.
Comment: In summary, the available evidence is currently insufficient to determine the role of this variant in disease. Therefore, it has been classified as a Variant of Uncertain Significance. Algorithms developed to predict the effect of missense changes on protein structure and function are either unavailable or do not agree on the potential impact of this missense change (SIFT: "Deleterious"; PolyPhen-2: "Probably Damaging"; Align-GVGD: "Class C0"). ClinVar contains an entry for this variant (Variation ID: 822242). This variant has not been reported in the literature in individuals affected with GALNT12-related conditions. This variant is not present in population databases (ExAC no frequency). This sequence change replaces arginine with cysteine at codon 382 of the GALNT12 protein (p.Arg382Cys). The arginine residue is highly conserved and there is a large physicochemical difference between arginine and cysteine.

NM_024642.5(GALNT12):c.1144C>T (p.Arg382Cys)

Gene: GALNT12 (polypeptide N-acetylgalactosaminyltransferase 12; plus strand). Cytogenetic location: 9q22.33.
Variant type: single nucleotide variant.
Coding change: c.1144C>T on transcript NM_024642.5 (MANE Select); coding-DNA position 1144, C replaced by T.
Protein change: p.Arg382Cys; replaces arginine 382 with cysteine.
Molecular consequence: missense variant.
Genome position (GRCh38, 1-based): chr9:98,837,080, C>T. VCF-style: chr9-98837080-C-T. GRCh37 (hg19) VCF-style: chr9-101599362-C-T.
Other names: short protein forms R382C.
Identifiers: ClinVar variation 822242 (VCV000822242.13), dbSNP rs912533623, ClinGen allele CA196827612.